The following is an entry in ClinVar:

NM_000153.4(GALC):c.582+1G>A

Gene: GALC (galactosylceramidase; minus strand). Cytogenetic location: 14q31.3.
Variant type: single nucleotide variant.
Coding change: c.582+1G>A on transcript NM_000153.4 (MANE Select); the canonical splice donor site of the intron after coding-DNA position 582, G replaced by A.
Molecular consequence: splice donor variant.
Genome position (GRCh38, 1-based): chr14:87,984,393, C>T on the plus strand (G>A on the coding strand, the complement: GALC is on the minus strand). VCF-style: chr14-87984393-C-T. GRCh37 (hg19) VCF-style: chr14-88450737-C-T.
Other names: c.504+1G>A (NM_001201402.2); c.513+1G>A (NM_001201401.2).
Identifiers: ClinVar variation 1067095 (VCV001067095.21), dbSNP rs750881596, ClinGen allele CA7297331.

ClinVar aggregate classification (germline): Likely pathogenic. Review status: criteria provided, multiple submitters, no conflicts (2 of 4 stars). 5 submissions from 5 submitters: Likely pathogenic (5). Last evaluated 2025-02-26.

Conditions:
Galactosylceramide beta-galactosidase deficiency. Also called: GALACTOCEREBROSIDASE DEFICIENCY; GALC DEFICIENCY; GLOBOID CELL LEUKOENCEPHALOPATHY; Leukodystrophy, Globoid Cell; Krabbe Disease. Identifiers: Orphanet 487, MedGen C0023521, MONDO:0009499, OMIM 245200.

Allele frequency attached by ClinVar (database versions not stated): gnomAD exomes below 0.00001 and 0.00001; ExAC 0.00001; gnomAD 0.00001; TOPMed 0.00001.
gnomAD v4.1: 13 of 1,611,968 alleles (0.00081%); highest among the groups gnomAD compares: African/African-American, 0.0027%; no homozygotes.

Submissions (6):

Natera, Inc.
Classification: Likely pathogenic for Galactosylceramide beta-galactosidase deficiency. Last evaluated: 2025-02-26. Review status: criteria provided, single submitter. Criteria: Natera Variant Classification Schema (03/2026). Collection method: clinical testing. Allele origin: germline.
Comment: The c.582+1G>A variant in GALC is a canonical splice donor site variant predicted to affect pre-mRNA splicing, which may result in an abnormal transcript and altered protein product. This variant is expected to result in nonsense mediated decay, truncation, or a dysfunctional protein product. This variant is rare in the general population with a frequency below the threshold expected for the associated phenotype(s). Given the available evidence, this variant is classified as Likely Pathogenic.

Labcorp Genetics (formerly Invitae), Labcorp
Classification: Likely pathogenic for Galactosylceramide beta-galactosidase deficiency. Last evaluated: 2025-01-12. Review status: criteria provided, single submitter. Criteria: Invitae Variant Classification Sherloc (09022015). Collection method: clinical testing. Allele origin: germline.
Comment: This sequence change affects a donor splice site in intron 5 of the GALC gene. It is expected to disrupt RNA splicing. Variants that disrupt the donor or acceptor splice site typically lead to a loss of protein function (PMID: 16199547), and loss-of-function variants in GALC are known to be pathogenic (PMID: 7437911, 9272171, 16607461). This variant is present in population databases (rs750881596, gnomAD 0.0009%). Disruption of this splice site has been observed in individual(s) with Krabbe disease (PMID: 31395954). ClinVar contains an entry for this variant (Variation ID: 1067095). Algorithms developed to predict the effect of sequence changes on RNA splicing suggest that this variant may disrupt the consensus splice site. In summary, the currently available evidence indicates that the variant is pathogenic, but additional data are needed to prove that conclusively. Therefore, this variant has been classified as Likely Pathogenic.

Fulgent Genetics
Classification: Likely pathogenic for Galactosylceramide beta-galactosidase deficiency. Last evaluated: 2024-06-17. Review status: criteria provided, single submitter. Criteria: ACMG Guidelines, 2015. Collection method: clinical testing. Allele origin: germline.

Revvity Omics, Revvity
Classification: Likely pathogenic. Last evaluated: 2023-07-19. Review status: criteria provided, single submitter. Criteria: ACMG Guidelines, 2015. Collection method: clinical testing. Allele origin: germline.

Women's Health and Genetics/Laboratory Corporation of America, LabCorp
Classification: Likely pathogenic for Galactosylceramide beta-galactosidase deficiency. Last evaluated: 2023-01-12. Review status: criteria provided, single submitter. Criteria: LabCorp Variant Classification Summary - May 2015. Collection method: clinical testing. Allele origin: germline.
Comment: Variant summary: GALC c.582+1G>A is located in a canonical splice-site and may affect mRNA splicing resulting in a significantly altered protein due to either exon skipping, shortening, or inclusion of intronic material. 4/4 computational tools via alamut predict no impact on splicing at the canonical wild type and the mutant location. This precludes an exact estimation of the computational splicing impact. The variant allele was found at a frequency of 4e-06 in 248874 control chromosomes. c.582+1G>A has been reported in the literature in at least one individual in an infant death cohort, however without strong evidence for causalilty (lack of co-segregation, co-occurrence, and phenotypic data) (e.g., Wojcik_2020). This report therefore does not provide unequivocal conclusions about association of the variant with Krabbe Disease. To our knowledge, no experimental evidence demonstrating an impact on protein function has been reported. One clinical diagnostic laboratory has submitted clinical-significance assessments for this variant to ClinVar after 2014 without evidence for independent evaluation and classified the variant as likely pathogenic. Based on the evidence outlined above, the variant was classified as likely pathogenic.

Dr. Peter K. Rogan Lab, Western University
No classification provided (evidence only). Condition: Acute myeloid leukemia. Review status: no classification provided. Collection method: in vitro. Allele origin: not applicable. Functional consequence: retained intron. Not counted in ClinVar's aggregate classification.

Literature cited by the submitters: PubMed 16199547 (cited by Labcorp Genetics (formerly Invitae), Labcorp); PubMed 7437911 (cited by Labcorp Genetics (formerly Invitae), Labcorp); PubMed 9272171 (cited by Labcorp Genetics (formerly Invitae), Labcorp); PubMed 16607461 (cited by Labcorp Genetics (formerly Invitae), Labcorp); PubMed 31395954 (cited by Labcorp Genetics (formerly Invitae), Labcorp and Women's Health and Genetics/Laboratory Corporation of America, LabCorp).